The following is an entry in ClinVar:

ClinVar aggregate classification (germline): Uncertain significance (1 of 4 stars; one submission).

Conditions:
Familial focal epilepsy with variable foci (FPEVF). Identifiers: Orphanet 98820, MedGen C1858477, MONDO:0020310.

Allele frequency attached by ClinVar (database versions not stated): gnomAD 0.00001; 1000 Genomes Project 30x 0.00016.
gnomAD v4.1: 1 of 1,614,108 alleles (0.000062%); highest among the groups gnomAD compares: Non-Finnish European, 0.000085%; no homozygotes.

Submission:

Labcorp Genetics (formerly Invitae), Labcorp
Classification: Uncertain significance for Familial focal epilepsy with variable foci. Last evaluated: 2022-08-16. Review status: criteria provided, single submitter. Criteria: Invitae Variant Classification Sherloc (09022015). Collection method: clinical testing. Allele origin: germline.
Comment: This variant is not present in population databases (gnomAD no frequency). This sequence change replaces tyrosine, which is neutral and polar, with histidine, which is basic and polar, at codon 852 of the DEPDC5 protein (p.Tyr852His). This variant has not been reported in the literature in individuals affected with DEPDC5-related conditions. ClinVar contains an entry for this variant (Variation ID: 1421197). Algorithms developed to predict the effect of missense changes on protein structure and function are either unavailable or do not agree on the potential impact of this missense change (SIFT: "Deleterious"; PolyPhen-2: "Not Available"; Align-GVGD: "Class C65"). In summary, the available evidence is currently insufficient to determine the role of this variant in disease. Therefore, it has been classified as a Variant of Uncertain Significance.

NM_001242896.3(DEPDC5):c.2554T>C (p.Tyr852His)

Gene: DEPDC5 (DEP domain containing 5, GATOR1 subcomplex subunit; plus strand). Cytogenetic location: 22q12.3.
Variant type: single nucleotide variant.
Coding change: c.2554T>C on transcript NM_001242896.3 (MANE Select); coding-DNA position 2554, T replaced by C.
Protein change: p.Tyr852His; replaces tyrosine 852 with histidine.
Molecular consequence: missense variant. On other transcripts: non-coding transcript variant (5).
Genome position (GRCh38, 1-based): chr22:31,843,133, T>C. VCF-style: chr22-31843133-T-C. GRCh37 (hg19) VCF-style: chr22-32239119-T-C.
Other names: c.2527T>C, p.Tyr843His (NM_001136029.4, NM_001369903.1, NM_014662.6); c.2320T>C, p.Tyr774His (NM_001242897.2, NM_001363854.2, NM_001364319.2); c.2554T>C, p.Tyr852His (NM_001363852.2, NM_001364318.2, NM_001364320.2); c.2470T>C, p.Tyr824His (NM_001369901.1, NM_001369902.1); short protein forms Y843H, Y774H, Y824H, Y852H.
Identifiers: ClinVar variation 1421197 (VCV001421197.8), dbSNP rs181352850, ClinGen allele CA323341984.